The following is an entry in ClinVar:

NM_206933.4(USH2A):c.15044C>T (p.Thr5015Ile)

Gene: USH2A (usherin; minus strand). Cytogenetic location: 1q41.
Variant type: single nucleotide variant.
Coding change: c.15044C>T on transcript NM_206933.4 (MANE Select); coding-DNA position 15044, C replaced by T.
Protein change: p.Thr5015Ile; replaces threonine 5015 with isoleucine.
Molecular consequence: missense variant.
Genome position (GRCh38, 1-based): chr1:215,639,163, G>A on the plus strand (C>T on the coding strand, the complement: USH2A is on the minus strand). VCF-style: chr1-215639163-G-A. GRCh37 (hg19) VCF-style: chr1-215812505-G-A.
Other names: short protein forms T5015I.
Identifiers: ClinVar variation 968415 (VCV000968415.9), dbSNP rs1029854359, ClinGen allele CA37378552.
Genomic context (GRCh38, chr1:215,639,163, plus strand): 5'-TTCTTGAGGAAGATGAATAGGTGCTACGCCAAGTATAATATGAGTTGTTTACCAAGTCCA[G>A]TAGAGGTATCATATTGGATCAACGGCGTCTTAACACTTCCTTCGTCAGTCGTGCAGATGA-3'
Protein context (NP_996816.3, residues 5005-5025): KTPLIQYDTS[Thr5015Ile]GLGLVLTTPG

ClinVar aggregate classification (germline): Uncertain significance. Review status: criteria provided, multiple submitters, no conflicts (2 of 4 stars). 6 submissions from 5 submitters: Uncertain significance (5). 1 of the submissions does not count toward it. Last evaluated 2024-07-15.

Conditions:
Retinitis pigmentosa 39 (RP39). Identifiers: Orphanet 791, MedGen C3151138, MONDO:0013436, OMIM 613809.
Usher syndrome type 2A. Also called: RETINAL DISEASE IN USHER SYNDROME TYPE IIA, MODIFIER OF; USHER SYNDROME, TYPE IIA. Identifiers: Orphanet 231178, Orphanet 886, MedGen C1848634, MONDO:0010169, OMIM 276901.

Allele frequency attached by ClinVar (database versions not stated): TOPMed 0.00001; gnomAD exomes 0.00004.
gnomAD v4.1: 64 of 1,614,080 alleles (0.004%); highest among the groups gnomAD compares: Non-Finnish European, 0.0053%; no homozygotes.

Submissions (6):

Blueprint Genetics
Classification: Uncertain significance. Last evaluated: 2024-07-15. Review status: criteria provided, single submitter. Criteria: ACMG Guidelines, 2015. Collection method: clinical testing. Allele origin: germline.

Labcorp Genetics (formerly Invitae), Labcorp
Classification: Uncertain significance. Last evaluated: 2024-06-12. Review status: criteria provided, single submitter. Criteria: Invitae Variant Classification Sherloc (09022015). Collection method: clinical testing. Allele origin: germline.
Comment: This sequence change replaces threonine, which is neutral and polar, with isoleucine, which is neutral and non-polar, at codon 5015 of the USH2A protein (p.Thr5015Ile). This variant is not present in population databases (gnomAD no frequency). This variant has not been reported in the literature in individuals affected with USH2A-related conditions. ClinVar contains an entry for this variant (Variation ID: 968415). Advanced modeling of protein sequence and biophysical properties (such as structural, functional, and spatial information, amino acid conservation, physicochemical variation, residue mobility, and thermodynamic stability) performed at Invitae indicates that this missense variant is not expected to disrupt USH2A protein function with a negative predictive value of 95%. In summary, the available evidence is currently insufficient to determine the role of this variant in disease. Therefore, it has been classified as a Variant of Uncertain Significance.

Genome-Nilou Lab
Classification: Uncertain significance for Retinitis pigmentosa 39. Last evaluated: 2023-11-04. Review status: criteria provided, single submitter. Criteria: ACMG Guidelines, 2015. Collection method: clinical testing. Allele origin: germline. Affected: no.

Genome-Nilou Lab
Classification: Uncertain significance for Usher syndrome type 2A. Last evaluated: 2023-11-04. Review status: criteria provided, single submitter. Criteria: ACMG Guidelines, 2015. Collection method: clinical testing. Allele origin: germline. Affected: no.

GeneDx
Classification: Uncertain significance. Last evaluated: 2019-12-18. Review status: criteria provided, single submitter. Criteria: GeneDx Variant Classification Process June 2021. Collection method: clinical testing. Allele origin: germline. Affected: yes.
Comment: Not observed in large population cohorts (Lek et al., 2016); In silico analysis, which includes protein predictors and evolutionary conservation, supports a deleterious effect; Has not been previously published as pathogenic or benign to our knowledge

Natera, Inc.
Classification: Uncertain significance for Usher syndrome type 2A. Last evaluated: 2020-09-02. Review status: no assertion criteria provided. Collection method: clinical testing. Allele origin: germline. Not counted in ClinVar's aggregate classification.